The following is an entry in ClinVar:

NM_001563.4(IMPG1):c.32T>G (p.Val11Gly)

Gene: IMPG1 (interphotoreceptor matrix proteoglycan 1; minus strand). Cytogenetic location: 6q14.1.
Variant type: single nucleotide variant.
Coding change: c.32T>G on transcript NM_001563.4 (MANE Select); coding-DNA position 32, T replaced by G.
Protein change: p.Val11Gly; replaces valine 11 with glycine.
Molecular consequence: missense variant.
Genome position (GRCh38, 1-based): chr6:76,072,457, A>C on the plus strand (T>G on the coding strand, the complement: IMPG1 is on the minus strand). VCF-style: chr6-76072457-A-C. GRCh37 (hg19) VCF-style: chr6-76782174-A-C.
Other names: c.32T>G, p.Val11Gly (NM_001282368.2); short protein forms V11G.
Identifiers: ClinVar variation 1462799 (VCV001462799.6), dbSNP rs758016995, ClinGen allele CA3898674.

ClinVar aggregate classification (germline): Uncertain significance (1 of 4 stars; one submission).

Allele frequency attached by ClinVar (database versions not stated): ExAC 0.00002.
gnomAD v4.1: 4 of 1,598,572 alleles (0.00025%); highest among the groups gnomAD compares: Admixed American, 0.0068%; no homozygotes.

Submission:

Labcorp Genetics (formerly Invitae), Labcorp
Classification: Uncertain significance. Last evaluated: 2025-07-02. Review status: criteria provided, single submitter. Criteria: Invitae Variant Classification Sherloc (09022015). Collection method: clinical testing. Allele origin: germline.
Comment: This sequence change replaces valine, which is neutral and non-polar, with glycine, which is neutral and non-polar, at codon 11 of the IMPG1 protein (p.Val11Gly). This variant is present in population databases (rs758016995, gnomAD 0.003%). This variant has not been reported in the literature in individuals affected with IMPG1-related conditions. ClinVar contains an entry for this variant (Variation ID: 1462799). An algorithm developed to predict the effect of missense changes on protein structure and function (PolyPhen-2) suggests that this variant is likely to be tolerated. In summary, the available evidence is currently insufficient to determine the role of this variant in disease. Therefore, it has been classified as a Variant of Uncertain Significance.